The following is an entry in ClinVar:

ClinVar aggregate classification (germline): Uncertain significance (1 of 4 stars; one submission).

Submission:

Labcorp Genetics (formerly Invitae), Labcorp
Classification: Uncertain significance. Last evaluated: 2024-10-24. Review status: criteria provided, single submitter. Criteria: Invitae Variant Classification Sherloc (09022015). Collection method: clinical testing. Allele origin: germline.
Comment: This sequence change replaces phenylalanine, which is neutral and non-polar, with leucine, which is neutral and non-polar, at codon 10 of the SMARCB1 protein (p.Phe10Leu). This variant is not present in population databases (gnomAD no frequency). This variant has not been reported in the literature in individuals affected with SMARCB1-related conditions. An algorithm developed to predict the effect of missense changes on protein structure and function (PolyPhen-2) suggests that this variant is likely to be tolerated. In summary, the available evidence is currently insufficient to determine the role of this variant in disease. Therefore, it has been classified as a Variant of Uncertain Significance.

NM_003073.5(SMARCB1):c.30C>G (p.Phe10Leu)

Gene: SMARCB1 (SWI/SNF related BAF chromatin remodeling complex subunit B1; plus strand). Cytogenetic location: 22q11.23.
Variant type: single nucleotide variant.
Coding change: c.30C>G on transcript NM_003073.5 (MANE Select); coding-DNA position 30, C replaced by G.
Protein change: p.Phe10Leu; replaces phenylalanine 10 with leucine.
Molecular consequence: missense variant.
Genome position (GRCh38, 1-based): chr22:23,787,199, C>G. VCF-style: chr22-23787199-C-G. GRCh37 (hg19) VCF-style: chr22-24129386-C-G.
Other names: c.30C>G, p.Phe10Leu (NM_001007468.3, NM_001317946.2, NM_001362877.2); short protein forms F10L.
Identifiers: ClinVar variation 3723717 (VCV003723717.2).
Genomic context (GRCh38, chr22:23,787,199, plus strand): 5'-CCGGCTCCGGCCGCCCGCCTCTGCCGCCGCAATGATGATGATGGCGCTGAGCAAGACCTT[C>G]GGGCAGAAGCCCGTGAAGTTCCAGCTGGAGGACGACGGCGAGTTCTACATGATCGGCTCC-3'
Protein context (NP_003064.2, residues 1-20): MMMMALSKT[Phe10Leu]GQKPVKFQLE